The following is an entry in ClinVar:

NM_006180.6(NTRK2):c.1301A>G (p.Tyr434Cys)

Gene: NTRK2 (neurotrophic receptor tyrosine kinase 2; plus strand). Cytogenetic location: 9q21.33.
Variant type: single nucleotide variant.
Coding change: c.1301A>G on transcript NM_006180.6 (MANE Select); coding-DNA position 1301, A replaced by G.
Protein change: p.Tyr434Cys; replaces tyrosine 434 with cysteine.
Molecular consequence: missense variant.
Genome position (GRCh38, 1-based): chr9:84,751,990, A>G. VCF-style: chr9-84751990-A-G. GRCh37 (hg19) VCF-style: chr9-87366905-A-G.
Other names: c.1301A>G, p.Tyr434Cys (NM_001007097.3, NM_001018064.3, NM_001018065.2 and 15 more transcripts); c.1262A>G, p.Tyr421Cys (NM_001291937.2, NM_001369546.1); c.1265A>G, p.Tyr422Cys (NM_001369534.1); c.833A>G, p.Tyr278Cys (NM_001369535.1, NM_001369536.1, NM_001369552.1 and 2 more transcripts); short protein forms Y434C, Y422C, Y278C, Y421C.
Identifiers: ClinVar variation 268204 (VCV000268204.59), dbSNP rs886041091, ClinGen allele CA10602696.

ClinVar aggregate classification (germline): Pathogenic/Likely pathogenic. Review status: criteria provided, multiple submitters, no conflicts (2 of 4 stars). 12 submissions from 12 submitters: Pathogenic (9); Likely pathogenic (2). 1 of the submissions does not count toward it. Last evaluated 2026-08-03.

Conditions:
Developmental and epileptic encephalopathy, 58. Also called: EPILEPTIC ENCEPHALOPATHY, EARLY INFANTILE, 58. Identifiers: MedGen C4693367, MONDO:0033367, OMIM 617830.
NTRK2-related disorder. Also called: NTRK2-related condition.
Inborn genetic diseases. Identifiers: MedGen C0950123, MeSH D030342.

Submissions (12):

Genelabs Medical  (pvt) Ltd
Classification: Likely pathogenic for Developmental and epileptic encephalopathy, 58. Last evaluated: 2026-08-03. Review status: criteria provided, single submitter. Criteria: ACMG Guidelines, 2015. Collection method: clinical testing. Allele origin: germline. Inheritance: Autosomal dominant inheritance. Affected: yes. Observed: 1 heterozygote.
Comment: The missense variant NM_006180.6(NTRK2):c.1301A>G (p.Tyr434Cys) is novel (not in any individuals) in gnomAD. There is a large physicochemical difference between tyrosine and cysteine, which is likely to impact secondary protein structure as these residues differ in polarity, charge, size and/or other properties. The gene NTRK2 has a low rate of benign missense variation as indicated by a high missense variants Z-Score of 5.63. The gene NTRK2 contains 7 pathogenic missense variants, indicating that missense variants are a common mechanism of disease in this gene. Furthermore, this variant was identified as de novo in the proband, with confirmed maternity and paternity and no family history of the disorder (PMID: 29100083). For these reasons, this variant has been classified as Likely Pathogenic. (PS2, PM2_Supporting, PP2)

Ambry Genetics
Classification: Pathogenic for Inborn genetic diseases. Last evaluated: 2025-12-15. Review status: criteria provided, single submitter. Criteria: Ambry Variant Classification Scheme 2023. Collection method: clinical testing. Allele origin: germline.
Comment: The c.1301A>G (p.Y434C) alteration is located in exon 14 (coding exon 11) of the NTRK2 gene. This alteration results from an A to G substitution at nucleotide position 1301, causing the tyrosine (Y) at amino acid position 434 to be replaced by a cysteine (C). for NTRK2-related developmental and epileptic encephalopathy; however, its clinical significance for NTRK2-related obesity, hyperphagia, and developmental delay is uncertain. This variant was not reported in population-based cohorts in the Genome Aggregation Database (gnomAD). This variant was reported in individuals with features consistent with NTRK2-related developmental and epileptic encephalopathy; in at least one individual, it was determined to be de novo (Hamdan, 2017; Muthaffar, 2020; Yoganathan, 2021; Ambry internal data). This amino acid position is highly conserved in available vertebrate species. This alteration is predicted to be deleterious by in silico analysis. Based on the available evidence, this alteration is classified as pathogenic.

Labcorp Genetics (formerly Invitae), Labcorp
Classification: Pathogenic. Last evaluated: 2024-09-01. Review status: criteria provided, single submitter. Criteria: Invitae Variant Classification Sherloc (09022015). Collection method: clinical testing. Allele origin: germline.
Comment: This sequence change replaces tyrosine, which is neutral and polar, with cysteine, which is neutral and slightly polar, at codon 434 of the NTRK2 protein (p.Tyr434Cys). This variant is not present in population databases (gnomAD no frequency). This missense change has been observed in individual(s) with NTRK2-related conditions (PMID: 29100083). In at least one individual the variant was observed to be de novo. ClinVar contains an entry for this variant (Variation ID: 268204). Invitae Evidence Modeling of protein sequence and biophysical properties (such as structural, functional, and spatial information, amino acid conservation, physicochemical variation, residue mobility, and thermodynamic stability) indicates that this missense variant is not expected to disrupt NTRK2 protein function with a negative predictive value of 80%. For these reasons, this variant has been classified as Pathogenic.

3billion
Classification: Pathogenic for Developmental and epileptic encephalopathy, 58. Last evaluated: 2024-08-06. Review status: criteria provided, single submitter. Criteria: ACMG Guidelines, 2015. Collection method: clinical testing. Allele origin: germline. Affected: yes.
Comment: The variant is not observed in the gnomAD v4.0.0 dataset. Predicted Consequence/Location: Missense changes are a common disease-causing mechanism. In silico tool predictions suggest damaging effect of the variant on gene or gene product [3Cnet: 0.71 (>=0.6, sensitivity 0.72 and precision 0.9)]. The same nucleotide change resulting in the same amino acid change has been previously reported as pathogenic/likely pathogenic with strong evidence (ClinVar ID: VCV000268204 /PMID: 29100083). The variant has been previously reported as de novo in a similarly affected individual (PMID: 29100083). Therefore, this variant is classified as Pathogenic according to the recommendation of ACMG/AMP guideline.

GeneDx
Classification: Pathogenic. Last evaluated: 2022-10-19. Review status: criteria provided, single submitter. Criteria: GeneDx Variant Classification Process June 2021. Collection method: clinical testing. Allele origin: germline. Affected: yes.
Comment: Not observed in large population cohorts (gnomAD); In silico analysis supports that this missense variant has a deleterious effect on protein structure/function; This variant is associated with the following publications: (PMID: 34889524, 29100083, 29652076, 31070779, 34426522, 33816068)

Institute of Medical Genetics and Applied Genomics, University Hospital Tübingen
Classification: Pathogenic. Last evaluated: 2021-06-17. Review status: criteria provided, single submitter. Criteria: ACMG Guidelines, 2015. Collection method: clinical testing. Allele origin: germline. Inheritance: Autosomal dominant inheritance. Affected: yes.

CeGaT Center for Human Genetics Tuebingen
Classification: Pathogenic. Last evaluated: 2020-08-01. Review status: criteria provided, single submitter. Criteria: CeGaT Center For Human Genetics Tuebingen Variant Classification Criteria Version 2. Collection method: clinical testing. Allele origin: germline. Affected: yes. Observed: 1 variant allele.

Blueprint Genetics
Classification: Pathogenic for NTRK2-related disorders. Last evaluated: 2019-10-09. Review status: criteria provided, single submitter. Criteria: ACMG Guidelines, 2015. Collection method: clinical testing. Allele origin: germline. Affected: yes. Observed: 1 variant allele.

Laboratory of Molecular Genetics (Pr. Bezieau's lab), CHU de Nantes
Classification: Pathogenic. Last evaluated: 2019-01-15. Review status: criteria provided, single submitter. Criteria: ACMG Guidelines, 2015. Collection method: clinical testing. Allele origin: germline. Affected: yes.

Undiagnosed Diseases Network, NIH
Classification: Likely pathogenic for Developmental and epileptic encephalopathy, 58. Last evaluated: 2018-08-21. Review status: criteria provided, single submitter. Criteria: ACMG Guidelines, 2015. Collection method: clinical testing. Allele origin: de novo. Inheritance: Autosomal dominant inheritance. Affected: yes. Observed: 1 variant allele, 1 heterozygote.

HudsonAlpha Institute for Biotechnology
Classification: Pathogenic for Developmental and epileptic encephalopathy, 58. Last evaluated: 2017-11-02. Review status: criteria provided, single submitter. Criteria: HA_assertions_20161101. Collection method: research. Allele origin: de novo. Affected: yes. Observed: 1 variant allele. Study: CSER-HudsonAlpha.

OMIM
Classification: Pathogenic for DEVELOPMENTAL AND EPILEPTIC ENCEPHALOPATHY 58. Last evaluated: 2020-11-09. Review status: no assertion criteria provided. Collection method: literature only. Allele origin: germline. Not counted in ClinVar's aggregate classification.

Literature cited by the submitters: PubMed 29100083 (cited by 5 submitters); PubMed 33816068 (cited by Ambry Genetics); PubMed 34425480 (cited by Ambry Genetics).